The following is an entry in ClinVar:

ClinVar aggregate classification (germline): Uncertain significance (1 of 4 stars; one submission).

Conditions:
Hereditary cancer-predisposing syndrome. Also called: Tumor predisposition; Hereditary Cancer Syndrome; Hereditary neoplastic syndrome; Neoplastic Syndromes, Hereditary. Identifiers: Orphanet 140162, MedGen C0027672, MeSH D009386, MONDO:0015356.

Submissions (2):

Ambry Genetics
Classification: Uncertain significance for Hereditary cancer-predisposing syndrome. Last evaluated: 2025-05-14. Review status: criteria provided, single submitter. Criteria: Ambry Variant Classification Scheme 2023. Collection method: clinical testing. Allele origin: germline.
Comment: The p.L30S variant (also known as c.89T>C), located in coding exon 2 of the BRCA1 gene, results from a T to C substitution at nucleotide position 89. The leucine at codon 30 is replaced by serine, an amino acid with dissimilar properties. One functional study found that this nucleotide substitution is functional in a high throughput genome editing haploid cell survival assay (Findlay GM et al. Nature, 2018 Oct;562:217-222). This amino acid position is highly conserved in available vertebrate species. In addition, this alteration is predicted to be deleterious by in silico analysis. Based on the available evidence, the clinical significance of this variant remains unclear.

Brotman Baty Institute, University of Washington
No classification provided (evidence only). Condition: Breast-ovarian cancer, familial 1. Review status: no classification provided. Collection method: in vitro. Allele origin: not applicable. Functional consequence: functionally_normal. Not counted in ClinVar's aggregate classification.
ClinVar note: "not provided" was previously submitted as the classification for the variant. However, the classification appeared to be based only on an observation of functional data so it was converted to no classification on 2025-07-30.

Literature cited by the submitters: PubMed 30209399 (cited by Ambry Genetics).

NM_007294.4(BRCA1):c.89T>C (p.Leu30Ser)

Gene: BRCA1 (BRCA1 DNA repair associated; minus strand). Cytogenetic location: 17q21.31.
Variant type: single nucleotide variant.
Coding change: c.89T>C on transcript NM_007294.4 (MANE Select); coding-DNA position 89, T replaced by C.
Protein change: p.Leu30Ser; replaces leucine 30 with serine.
Molecular consequence: missense variant. On other transcripts: non-coding transcript variant (1), intron variant (1).
Genome position (GRCh38, 1-based): chr17:43,115,771, A>G on the plus strand (T>C on the coding strand, the complement: BRCA1 is on the minus strand). VCF-style: chr17-43115771-A-G. GRCh37 (hg19) VCF-style: chr17-41267788-A-G.
Other names: c.89T>C, p.Leu30Ser (NM_001408396.1, NM_001408397.1, NM_001408398.1 and 192 more transcripts); c.-53T>C (NM_001408410.1, NM_001408452.1, NM_001408453.1 and 47 more transcripts); c.-169T>C (NM_001408455.1, NM_001408456.1, NM_001408468.1 and 13 more transcripts); c.-173T>C (NM_001408465.1, NM_001407695.1); c.-100T>C (NM_001408478.1, NM_001408479.1, NM_001408480.1 and 52 more transcripts); c.-216T>C (NM_001408492.1, NM_001407889.1, NM_001407900.1); c.-215T>C (NM_001408510.1, NM_001408512.1, NM_001407960.1 and 1 more transcripts); c.-8+8246T>C (NM_007297.4); and 2 more; short protein forms L30S.
Identifiers: ClinVar variation 865102 (VCV000865102.4), dbSNP rs397509331, ClinGen allele CA10601977.